The following is an entry in ClinVar:

NM_000038.6(APC):c.8354A>T (p.Asn2785Ile)

Gene: APC (APC regulator of Wnt signaling pathway; plus strand). Cytogenetic location: 5q22.2.
Variant type: single nucleotide variant.
Coding change: c.8354A>T on transcript NM_000038.6 (MANE Select); coding-DNA position 8354, A replaced by T.
Protein change: p.Asn2785Ile; replaces asparagine 2785 with isoleucine.
Molecular consequence: missense variant.
Genome position (GRCh38, 1-based): chr5:112,843,948, A>T. VCF-style: chr5-112843948-A-T. GRCh37 (hg19) VCF-style: chr5-112179645-A-T.
Other names: c.8354A>T, p.Asn2785Ile (NM_001127510.3, NM_001354895.2); c.8300A>T, p.Asn2767Ile (NM_001127511.3); c.8408A>T, p.Asn2803Ile (NM_001354896.2); c.8384A>T, p.Asn2795Ile (NM_001354897.2); c.8279A>T, p.Asn2760Ile (NM_001354898.2); c.8270A>T, p.Asn2757Ile (NM_001354899.2); c.8231A>T, p.Asn2744Ile (NM_001354900.2); c.8177A>T, p.Asn2726Ile (NM_001354901.2); and 5 more; short protein forms N2767I, N2785I, N2744I, N2795I, N2803I, N2502I, N2659I, N2684I.
Identifiers: ClinVar variation 537414 (VCV000537414.14), dbSNP rs1408383396, ClinGen allele CA16039458.

ClinVar aggregate classification (germline): Conflicting classifications of pathogenicity. Review status: criteria provided, conflicting classifications (1 of 4 stars). 3 submissions from 3 submitters: Uncertain significance (2); Benign (1). Last evaluated 2026-01-24.

Conditions:
Familial adenomatous polyposis 1 (FAP1). Also called: FAMILIAL ADENOMATOUS POLYPOSIS 1, ATTENUATED; POLYPOSIS, ADENOMATOUS INTESTINAL. Identifiers: MedGen C2713442, MONDO:0021056, OMIM 175100. Disease mechanism: loss of function.
Hereditary cancer-predisposing syndrome. Also called: Tumor predisposition; Hereditary Cancer Syndrome; Hereditary neoplastic syndrome; Neoplastic Syndromes, Hereditary. Identifiers: Orphanet 140162, MedGen C0027672, MeSH D009386, MONDO:0015356.

Allele frequency attached by ClinVar (database versions not stated): gnomAD exomes below 0.00001.
gnomAD v4.1: 1 of 1,609,862 alleles (0.000062%); highest among the groups gnomAD compares: South Asian, 0.0011%; no homozygotes.

Submissions (3):

Labcorp Genetics (formerly Invitae), Labcorp
Classification: Benign for Familial adenomatous polyposis 1. Last evaluated: 2026-01-24. Review status: criteria provided, single submitter. Criteria: Invitae Variant Classification Sherloc (09022015). Collection method: clinical testing. Allele origin: germline.

GeneDx
Classification: Uncertain significance. Last evaluated: 2025-05-12. Review status: criteria provided, single submitter. Criteria: GeneDx Variant Classification Process June 2021. Collection method: clinical testing. Allele origin: germline. Affected: yes.
Comment: Not observed at significant frequency in large population cohorts (gnomAD); In silico analysis supports that this missense variant has a deleterious effect on protein structure/function; Has not been previously published as pathogenic or benign to our knowledge; This variant is associated with the following publications: (PMID: 18199528)

Ambry Genetics
Classification: Uncertain significance for Hereditary cancer-predisposing syndrome. Last evaluated: 2024-05-02. Review status: criteria provided, single submitter. Criteria: Ambry Variant Classification Scheme 2023. Collection method: clinical testing. Allele origin: germline.
Comment: The p.N2785I variant (also known as c.8354A>T), located in coding exon 15 of the APC gene, results from an A to T substitution at nucleotide position 8354. The asparagine at codon 2785 is replaced by isoleucine, an amino acid with dissimilar properties. This amino acid position is highly conserved in available vertebrate species. In addition, in silico predictors for this gene do not accurately predict pathogenicity. Since supporting evidence is limited at this time, the clinical significance of this alteration remains unclear.